The following is an entry in ClinVar:

ClinVar aggregate classification (germline): Pathogenic/Likely pathogenic. Review status: criteria provided, multiple submitters, no conflicts (2 of 4 stars). 2 submissions from 2 submitters: Pathogenic (1); Likely pathogenic (1). Last evaluated 2024-12-03.

Conditions:
Syndromic X-linked intellectual disability 94 (MRXSW). Also called: MENTAL RETARDATION, X-LINKED, SYNDROMIC 29; X-linked intellectual disability due to GRIA3 anomalies. Identifiers: Orphanet 364028, MedGen C2678051, MONDO:0010402, OMIM 300699.

Submissions (2):

GeneDx
Classification: Pathogenic. Last evaluated: 2024-12-03. Review status: criteria provided, single submitter. Criteria: GeneDx Variant Classification Process June 2021. Collection method: clinical testing. Allele origin: germline. Affected: yes.
Comment: Not observed at significant frequency in large population cohorts (gnomAD); In silico analysis supports that this missense variant has a deleterious effect on protein structure/function; This variant is associated with the following publications: (PMID: 37163803)

Institute of Human Genetics Munich, TUM University Hospital
Classification: Likely pathogenic for Syndromic X-linked intellectual disability 94. Last evaluated: 2022-11-08. Review status: criteria provided, single submitter. Criteria: Classification criteria August 2017. Collection method: clinical testing. Allele origin: de novo. Inheritance: X-linked inheritance. Affected: yes. Observed: 1 variant allele.

NM_007325.5(GRIA3):c.1949C>T (p.Ala650Val)

Gene: GRIA3 (glutamate ionotropic receptor AMPA type subunit 3; plus strand). Cytogenetic location: Xq25.
Variant type: single nucleotide variant.
Coding change: c.1949C>T on transcript NM_007325.5 (MANE Select); coding-DNA position 1949, C replaced by T.
Protein change: p.Ala650Val; replaces alanine 650 with valine.
Molecular consequence: missense variant.
Genome position (GRCh38, 1-based): chrX:123,428,012, C>T. VCF-style: chrX-123428012-C-T. GRCh37 (hg19) VCF-style: chrX-122561863-C-T.
Other names: c.1949C>T (NM_000828.4); c.1949C>T, p.Ala650Val (NM_000828.5); short protein forms A650V.
Identifiers: ClinVar variation 2584384 (VCV002584384.2), dbSNP rs2521237559, ClinGen allele CA414259811.
Genomic context (GRCh38, chrX:123,428,012, plus strand): 5'-GGCGCATTGTTGGAGGGGTTTGGTGGTTCTTCACCCTGATCATAATTTCTTCCTATACTG[C>T]CAATCTCGCTGCTTTCCTGACTGTGGAGAGGATGGTTTCTCCCATAGAGAGTGCTGAAGA-3'
Protein context (NP_015564.5, residues 640-660): FTLIIISSYT[Ala650Val]NLAAFLTVER